The following is an entry in ClinVar:

ClinVar aggregate classification (germline): Benign/Likely benign. Review status: criteria provided, multiple submitters, no conflicts (2 of 4 stars). 4 submissions from 4 submitters: Benign (3); Likely benign (1). Last evaluated 2026-02-01.

Conditions:
Familial hemophagocytic lymphohistiocytosis 5. Also called: STXBP2-Related Familial Hemophagocytic Lymphohistiocytosis (STXBP2-fHLH). Identifiers: Orphanet 540, MedGen C2751293, MONDO:0013135, OMIM 613101.
Autoinflammatory syndrome. Identifiers: Orphanet 93665, MedGen C3890737, MONDO:0019751.

Allele frequency attached by ClinVar (database versions not stated): gnomAD exomes 0.00109 and 0.00310; ExAC 0.00354; gnomAD 0.00946 and 0.00997; TOPMed 0.01005; ESP Exome Variant Server 0.01046; 1000 Genomes Project 0.01238; 1000 Genomes Project 30x 0.01296.
gnomAD v4.1: 3,119 of 1,614,078 alleles (0.19%); highest among the groups gnomAD compares: African/African-American, 3.2%; 45 homozygotes.

Submissions (4):

Labcorp Genetics (formerly Invitae), Labcorp
Classification: Benign for Familial hemophagocytic lymphohistiocytosis 5. Last evaluated: 2026-02-01. Review status: criteria provided, single submitter. Criteria: Invitae Variant Classification Sherloc (09022015). Collection method: clinical testing. Allele origin: germline.

Mayo Clinic Laboratories, Mayo Clinic
Classification: Likely benign. Last evaluated: 2025-12-17. Review status: criteria provided, single submitter. Criteria: ACMG Guidelines, 2015. Collection method: clinical testing. Allele origin: germline. Observed: 16 variant alleles.
Comment: BS1, BS2_moderate

Genome Diagnostics Laboratory, The Hospital for Sick Children
Classification: Benign for Autoinflammatory syndrome. Last evaluated: 2020-05-01. Review status: criteria provided, single submitter. Criteria: ACMG Guidelines, 2015. Collection method: clinical testing. Allele origin: germline. Affected: yes.

PreventionGenetics, part of Exact Sciences
Classification: Benign. Review status: criteria provided, single submitter. Criteria: ACMG Guidelines, 2015. Collection method: clinical testing. Allele origin: germline.

NM_006949.4(STXBP2):c.849G>A (p.Glu283=)

Gene: STXBP2 (syntaxin binding protein 2; plus strand). Cytogenetic location: 19p13.2.
Variant type: single nucleotide variant.
Coding change: c.849G>A on transcript NM_006949.4 (MANE Select); coding-DNA position 849, G replaced by A.
Protein change: p.Glu283=; no amino-acid change (glutamic acid 283 retained).
Molecular consequence: synonymous variant. On other transcripts: non-coding transcript variant (1).
Genome position (GRCh38, 1-based): chr19:7,642,483, G>A. VCF-style: chr19-7642483-G-A. GRCh37 (hg19) VCF-style: chr19-7707369-G-A.
Other names: p.Glu283=; c.840G>A, p.Glu280= (NM_001127396.3); c.882G>A, p.Glu294= (NM_001272034.2).
Identifiers: ClinVar variation 260110 (VCV000260110.20), dbSNP rs34450592, ClinGen allele CA9143822.